The following is an entry in ClinVar:

ClinVar aggregate classification (germline): Uncertain significance (1 of 4 stars; one submission).

Submission:

GeneDx
Classification: Uncertain significance. Last evaluated: 2022-05-09. Review status: criteria provided, single submitter. Criteria: GeneDx Variant Classification Process June 2021. Collection method: clinical testing. Allele origin: germline. Affected: yes.
Comment: Not observed at significant frequency in large population cohorts (gnomAD); In silico analysis supports that this missense variant has a deleterious effect on protein structure/function; Has not been previously published as pathogenic or benign to our knowledge

NM_030665.4(RAI1):c.1481G>C (p.Gly494Ala)

Gene: RAI1 (retinoic acid induced 1; plus strand). Cytogenetic location: 17p11.2.
Variant type: single nucleotide variant.
Coding change: c.1481G>C on transcript NM_030665.4 (MANE Select); coding-DNA position 1481, G replaced by C.
Protein change: p.Gly494Ala; replaces glycine 494 with alanine.
Molecular consequence: missense variant.
Genome position (GRCh38, 1-based): chr17:17,794,429, G>C. VCF-style: chr17-17794429-G-C. GRCh37 (hg19) VCF-style: chr17-17697743-G-C.
Other names: short protein forms G494A.
Identifiers: ClinVar variation 1723705 (VCV001723705.2), dbSNP rs2508576095, ClinGen allele CA398548318.
Genomic context (GRCh38, chr17:17,794,429, plus strand): 5'-AGCAGCATAAAAGCCAGCACTGCAGCCCCGAAGGGAGCGGCTACTCAGCCGAGCCCGCAG[G>C]CACACCGCTGTCAGAGCCGCCGAGCAGCACGCCACAGTCCACGCATGCGGAGCCGCAGGA-3'
Protein context (NP_109590.3, residues 484-504): EGSGYSAEPA[Gly494Ala]TPLSEPPSST